The following is an entry in ClinVar:

NM_004484.4(GPC3):c.1190C>G (p.Ser397Cys)

Gene: GPC3 (glypican 3; minus strand). Cytogenetic location: Xq26.2.
Variant type: single nucleotide variant.
Coding change: c.1190C>G on transcript NM_004484.4 (MANE Select); coding-DNA position 1190, C replaced by G.
Protein change: p.Ser397Cys; replaces serine 397 with cysteine.
Molecular consequence: missense variant.
Genome position (GRCh38, 1-based): chrX:133,692,471, G>C on the plus strand (C>G on the coding strand, the complement: GPC3 is on the minus strand). VCF-style: chrX-133692471-G-C. GRCh37 (hg19) VCF-style: chrX-132826499-G-C.
Other names: c.1259C>G, p.Ser420Cys (NM_001164617.2); c.1142C>G, p.Ser381Cys (NM_001164618.2); c.1028C>G, p.Ser343Cys (NM_001164619.2); short protein forms S381C, S397C, S420C, S343C.
Identifiers: ClinVar variation 3666455 (VCV003666455.2).

ClinVar aggregate classification (germline): Uncertain significance (1 of 4 stars; one submission).

Conditions:
Wilms tumor 1 (WT1). Also called: Wilms tumor, somatic. Identifiers: Orphanet 654, MedGen CN033288, MONDO:0008679, OMIM 194070.

Submission:

Labcorp Genetics (formerly Invitae), Labcorp
Classification: Uncertain significance for Wilms tumor 1. Last evaluated: 2024-09-08. Review status: criteria provided, single submitter. Criteria: Invitae Variant Classification Sherloc (09022015). Collection method: clinical testing. Allele origin: germline.
Comment: This sequence change replaces serine, which is neutral and polar, with cysteine, which is neutral and slightly polar, at codon 397 of the GPC3 protein (p.Ser397Cys). This variant is not present in population databases (gnomAD no frequency). This variant has not been reported in the literature in individuals affected with GPC3-related conditions. Invitae Evidence Modeling of protein sequence and biophysical properties (such as structural, functional, and spatial information, amino acid conservation, physicochemical variation, residue mobility, and thermodynamic stability) indicates that this missense variant is expected to disrupt GPC3 protein function with a positive predictive value of 80%. In summary, the available evidence is currently insufficient to determine the role of this variant in disease. Therefore, it has been classified as a Variant of Uncertain Significance.